The following is an entry in ClinVar:

ClinVar aggregate classification (germline): Uncertain significance (1 of 4 stars; one submission).

gnomAD v4.1: 6 of 1,612,374 alleles (0.00037%); highest among the groups gnomAD compares: South Asian, 0.0066%; no homozygotes.

Submission:

Ambry Genetics
Classification: Uncertain significance. Last evaluated: 2026-07-01. Review status: criteria provided, single submitter. Criteria: Ambry Variant Classification Scheme 2023. Collection method: clinical testing. Allele origin: germline.
Comment: The p.V596F variant (also known as c.1786G>T), located in coding exon 12 of the MYLK2 gene, results from a G to T substitution at nucleotide position 1786. The valine at codon 596 is replaced by phenylalanine, an amino acid with highly similar properties. This amino acid position is conserved. In addition, the in silico prediction for this alteration is inconclusive. Based on the available evidence, the clinical significance of this variant remains unclear.

NM_033118.4(MYLK2):c.1786G>T (p.Val596Phe)

Gene: MYLK2 (myosin light chain kinase 2; plus strand). Cytogenetic location: 20q11.21.
Variant type: single nucleotide variant.
Coding change: c.1786G>T on transcript NM_033118.4 (MANE Select); coding-DNA position 1786, G replaced by T.
Protein change: p.Val596Phe; replaces valine 596 with phenylalanine.
Molecular consequence: missense variant.
Genome position (GRCh38, 1-based): chr20:31,833,792, G>T. VCF-style: chr20-31833792-G-T. GRCh37 (hg19) VCF-style: chr20-30421595-G-T.
Other names: short protein forms V596F.
Identifiers: ClinVar variation 5025230 (VCV005025230.1).